The following is an entry in ClinVar:

ClinVar aggregate classification (germline): Uncertain significance. Review status: criteria provided, multiple submitters, no conflicts (2 of 4 stars). 4 submissions from 4 submitters: Uncertain significance (4). Last evaluated 2025-08-06.

Conditions:
Arrhythmogenic right ventricular dysplasia 8 (ARVD8). Also called: Arrhythmogenic Right Ventricular Dysplasia/Cardiomyopathy 8; ARRHYTHMOGENIC RIGHT VENTRICULAR DYSPLASIA, FAMILIAL, 8; ARRHYTHMOGENIC RIGHT VENTRICULAR CARDIOMYOPATHY 8. Identifiers: MedGen C1843896, MONDO:0011831, OMIM 607450.
Arrhythmogenic cardiomyopathy with wooly hair and keratoderma. Also called: PALMOPLANTAR KERATODERMA WITH LEFT VENTRICULAR CARDIOMYOPATHY AND WOOLLY HAIR; Carvajal syndrome; Dilated cardiomyopathy with woolly hair and keratoderma; Arrhythmogenic cardiomyopathy with woolly hair and keratoderma. Identifiers: Orphanet 65282, MedGen C1854063, MONDO:0011581, OMIM 605676.
Cardiomyopathy (CMYO). Also called: Cardiomyopathies. Identifiers: Orphanet 167848, MedGen C0878544, MONDO:0004994, HP:0001638. Inheritance: Various modes of inheritance.
Cardiovascular phenotype. Identifiers: MedGen CN230736.

Allele frequency attached by ClinVar (database versions not stated): gnomAD exomes below 0.00001; TOPMed below 0.00001; ExAC 0.00001; gnomAD 0.00001.
gnomAD v4.1: 5 of 1,613,262 alleles (0.00031%); highest among the groups gnomAD compares: Non-Finnish European, 0.00042%; no homozygotes.

Submissions (4):

Ambry Genetics
Classification: Uncertain significance for Cardiovascular phenotype. Last evaluated: 2025-08-06. Review status: criteria provided, single submitter. Criteria: Ambry Variant Classification Scheme 2023. Collection method: clinical testing. Allele origin: germline.
Comment: The p.R1762W variant (also known as c.5284C>T), located in coding exon 23 of the DSP gene, results from a C to T substitution at nucleotide position 5284. The arginine at codon 1762 is replaced by tryptophan, an amino acid with dissimilar properties. This amino acid position is well conserved in available vertebrate species. In addition, this alteration is predicted to be tolerated by in silico analysis. Based on the available evidence, the clinical significance of this variant remains unclear.

Labcorp Genetics (formerly Invitae), Labcorp
Classification: Uncertain significance for Arrhythmogenic cardiomyopathy with wooly hair and keratoderma; Arrhythmogenic right ventricular dysplasia 8. Last evaluated: 2025-03-03. Review status: criteria provided, single submitter. Criteria: Invitae Variant Classification Sherloc (09022015). Collection method: clinical testing. Allele origin: germline.
Comment: This sequence change replaces arginine, which is basic and polar, with tryptophan, which is neutral and slightly polar, at codon 1762 of the DSP protein (p.Arg1762Trp). The frequency data for this variant in the population databases is considered unreliable, as metrics indicate poor data quality at this position in the gnomAD database. This variant has not been reported in the literature in individuals affected with DSP-related conditions. ClinVar contains an entry for this variant (Variation ID: 922511). An algorithm developed to predict the effect of missense changes on protein structure and function (PolyPhen-2) suggests that this variant is likely to be disruptive. In summary, the available evidence is currently insufficient to determine the role of this variant in disease. Therefore, it has been classified as a Variant of Uncertain Significance.

Color Diagnostics, LLC DBA Color Health
Classification: Uncertain significance for Cardiomyopathy. Last evaluated: 2024-03-06. Review status: criteria provided, single submitter. Criteria: ACMG Guidelines, 2015. Collection method: clinical testing. Allele origin: germline.
Comment: This missense variant replaces arginine with tryptophan at codon 1762 of the DSP protein. Computational prediction suggests that this variant may not impact protein structure and function (internally defined REVEL score threshold <= 0.5, PMID: 27666373). To our knowledge, functional studies have not been reported for this variant. This variant has not been reported in individuals affected with cardiovascular disorders in the literature. This variant has been identified in 2/282060 chromosomes in the general population by the Genome Aggregation Database (gnomAD). The available evidence is insufficient to determine the role of this variant in disease conclusively. Therefore, this variant is classified as a Variant of Uncertain Significance.

All of Us Research Program, National Institutes of Health
Classification: Uncertain significance for Arrhythmogenic cardiomyopathy with wooly hair and keratoderma. Last evaluated: 2023-12-01. Review status: criteria provided, single submitter. Criteria: ACMG Guidelines, 2015. Collection method: clinical testing. Allele origin: germline. Inheritance: Autosomal dominant inheritance. Observed: 1 variant allele, 1 heterozygote.
Comment: This study involves interpretation of variants in research participants for the purpose of population health screening. Participant phenotype was not available at the time of variant classification. Additional details can be found in publication PMID: 35346344, PMCID: PMC8962531

NM_004415.4(DSP):c.5284C>T (p.Arg1762Trp)

Gene: DSP (desmoplakin; plus strand). Cytogenetic location: 6p24.3.
Variant type: single nucleotide variant.
Coding change: c.5284C>T on transcript NM_004415.4 (MANE Select); coding-DNA position 5284, C replaced by T.
Protein change: p.Arg1762Trp; replaces arginine 1762 with tryptophan.
Molecular consequence: missense variant. On other transcripts: intron variant (2).
Genome position (GRCh38, 1-based): chr6:7,581,474, C>T. VCF-style: chr6-7581474-C-T. GRCh37 (hg19) VCF-style: chr6-7581707-C-T.
Other names: c.4051-1168C>T (NM_001319034.2); c.3583-1168C>T (NM_001008844.3); short protein forms R1762W.
Identifiers: ClinVar variation 922511 (VCV000922511.11), dbSNP rs766833113, ClinGen allele CA044502.
Genomic context (GRCh38, chr6:7,581,474, plus strand): 5'-GACAGTGATAAAAATGCAACCATCTTGGAACTAAGGAGCCAGCTGCAGATCAGCAACAAC[C>T]GGACCCTGGAACTGCAGGGGCTGATTAATGATTTACAGAGAGAGAGGGAAAATTTGAGAC-3'
Protein context (NP_004406.2, residues 1752-1772): LRSQLQISNN[Arg1762Trp]TLELQGLIND